The following is an entry in ClinVar:

ClinVar aggregate classification (germline): Benign. Review status: criteria provided, multiple submitters, no conflicts (2 of 4 stars). 4 submissions from 4 submitters: Benign (4). Last evaluated 2026-01-30.

Allele frequency attached by ClinVar (database versions not stated): 1000 Genomes Project 0.00519; gnomAD 0.00892 and 0.00911; gnomAD exomes 0.00928; TOPMed 0.00968; ESP Exome Variant Server 0.01046; ExAC 0.01246; 1000 Genomes Project 30x 0.00515.
gnomAD v4.1: 18,780 of 1,608,414 alleles (1.2%); highest among the groups gnomAD compares: Non-Finnish European, 1.3%; 169 homozygotes.

Submissions (4):

Labcorp Genetics (formerly Invitae), Labcorp
Classification: Benign. Last evaluated: 2026-01-30. Review status: criteria provided, single submitter. Criteria: Invitae Variant Classification Sherloc (09022015). Collection method: clinical testing. Allele origin: germline.

CeGaT Center for Human Genetics Tuebingen
Classification: Benign. Last evaluated: 2025-06-01. Review status: criteria provided, single submitter. Criteria: CeGaT Center For Human Genetics Tuebingen Variant Classification Criteria Version 2. Collection method: clinical testing. Allele origin: germline. Affected: yes. Observed: 5 variant alleles.
Comment: EEF2: BP4, BP7, BS1, BS2

Athena Diagnostics
Classification: Benign. Last evaluated: 2024-01-10. Review status: criteria provided, single submitter. Criteria: Athena Diagnostics Criteria. Collection method: clinical testing. Allele origin: unknown.

Breakthrough Genomics
Classification: Benign. Review status: criteria provided, single submitter. Criteria: ACMG Guidelines, 2015. Collection method: not provided. Allele origin: germline. Inheritance: Autosomal dominant inheritance. Affected: yes.

NM_001961.4(EEF2):c.2307C>T (p.His769=)

Gene: EEF2 (eukaryotic translation elongation factor 2; minus strand). Cytogenetic location: 19p13.3.
Variant type: single nucleotide variant.
Coding change: c.2307C>T on transcript NM_001961.4 (MANE Select); coding-DNA position 2307, C replaced by T.
Protein change: p.His769=; no amino-acid change (histidine 769 retained).
Molecular consequence: synonymous variant.
Genome position (GRCh38, 1-based): chr19:3,977,291, G>A on the plus strand (C>T on the coding strand, the complement: EEF2 is on the minus strand). VCF-style: chr19-3977291-G-A. GRCh37 (hg19) VCF-style: chr19-3977289-G-A.
Identifiers: ClinVar variation 994608 (VCV000994608.31), dbSNP rs35805642, ClinGen allele CA9088583.